The following is an entry in ClinVar:

ClinVar aggregate classification (germline): Uncertain significance. Review status: criteria provided, multiple submitters, no conflicts (2 of 4 stars). 2 submissions from 2 submitters: Uncertain significance (2). Last evaluated 2024-08-11.

Conditions:
Mitochondrial complex II deficiency, nuclear type 1. Also called: SUCCINATE CoQ REDUCTASE DEFICIENCY. Identifiers: Orphanet 3208, MedGen C5700310, MONDO:0100294, OMIM 252011.
Pheochromocytoma/paraganglioma syndrome 5. Also called: Paragangliomas 5; SDHA-Related Hereditary Paraganglioma-Pheochromocytoma Syndrome. Identifiers: Orphanet 29072, MedGen C3279992, MONDO:0013602, OMIM 614165.
Hereditary cancer-predisposing syndrome. Also called: Neoplastic Syndromes, Hereditary; Tumor predisposition; Hereditary Cancer Syndrome; Hereditary neoplastic syndrome. Identifiers: Orphanet 140162, MedGen C0027672, MeSH D009386, MONDO:0015356.

gnomAD v4.1: 3 of 1,614,222 alleles (0.00019%); highest among the groups gnomAD compares: Non-Finnish European, 0.00025%; no homozygotes.

Submissions (2):

Ambry Genetics
Classification: Uncertain significance for Hereditary cancer-predisposing syndrome. Last evaluated: 2024-08-11. Review status: criteria provided, single submitter. Criteria: Ambry Variant Classification Scheme 2023. Collection method: clinical testing. Allele origin: germline.
Comment: The p.V333F variant (also known as c.997G>T), located in coding exon 8 of the SDHA gene, results from a G to T substitution at nucleotide position 997. The valine at codon 333 is replaced by phenylalanine, an amino acid with highly similar properties. This amino acid position is conserved. In addition, this alteration is predicted to be tolerated by in silico analysis. Based on the available evidence, the clinical significance of this variant remains unclear.

Labcorp Genetics (formerly Invitae), Labcorp
Classification: Uncertain significance for Pheochromocytoma/paraganglioma syndrome 5; Mitochondrial complex II deficiency, nuclear type 1. Last evaluated: 2024-03-13. Review status: criteria provided, single submitter. Criteria: Invitae Variant Classification Sherloc (09022015). Collection method: clinical testing. Allele origin: germline.
Comment: This sequence change replaces valine, which is neutral and non-polar, with phenylalanine, which is neutral and non-polar, at codon 333 of the SDHA protein (p.Val333Phe). This variant is not present in population databases (gnomAD no frequency). This variant has not been reported in the literature in individuals affected with SDHA-related conditions. Advanced modeling of protein sequence and biophysical properties (such as structural, functional, and spatial information, amino acid conservation, physicochemical variation, residue mobility, and thermodynamic stability) performed at Invitae indicates that this missense variant is not expected to disrupt SDHA protein function with a negative predictive value of 95%. In summary, the available evidence is currently insufficient to determine the role of this variant in disease. Therefore, it has been classified as a Variant of Uncertain Significance.

NM_004168.4(SDHA):c.997G>T (p.Val333Phe)

Gene: SDHA (succinate dehydrogenase complex flavoprotein subunit A; plus strand). Cytogenetic location: 5p15.33.
Variant type: single nucleotide variant.
Coding change: c.997G>T on transcript NM_004168.4 (MANE Select); coding-DNA position 997, G replaced by T.
Protein change: p.Val333Phe; replaces valine 333 with phenylalanine.
Molecular consequence: missense variant.
Genome position (GRCh38, 1-based): chr5:233,578, G>T. VCF-style: chr5-233578-G-T. GRCh37 (hg19) VCF-style: chr5-233693-G-T.
Other names: c.853G>T, p.Val285Phe (NM_001294332.2); c.997G>T, p.Val333Phe (NM_001330758.2); short protein forms V333F, V285F.
Identifiers: ClinVar variation 3438690 (VCV003438690.3).
Genomic context (GRCh38, chr5:233,578, plus strand): 5'-GGAGAGGGAGGCATTCTCATTAACAGTCAAGGCGAAAGGTTTATGGAGCGATACGCCCCT[G>T]TCGCGAAGGACCTGGCGTCTAGAGATGTGGTGTCTCGGTCCATGACTCTGGAGATCCGAG-3'
Protein context (NP_004159.2, residues 323-343): GERFMERYAP[Val333Phe]AKDLASRDVV